The following is an entry in ClinVar:

ClinVar aggregate classification (germline): Likely benign (1 of 4 stars; one submission).

gnomAD v4.1: 2 of 1,614,080 alleles (0.00012%); highest among the groups gnomAD compares: African/African-American, 0.0013%; no homozygotes.

Submission:

CeGaT Center for Human Genetics Tuebingen
Classification: Likely benign. Last evaluated: 2026-02-01. Review status: criteria provided, single submitter. Criteria: CeGaT Center For Human Genetics Tuebingen Variant Classification Criteria Version 2. Collection method: clinical testing. Allele origin: germline. Affected: yes. Observed: 1 variant allele.
Comment: AARS2: BP4, BP7

NM_020745.4(AARS2):c.657G>A (p.Gly219=)

Gene: AARS2 (alanyl-tRNA synthetase 2, mitochondrial; minus strand). Cytogenetic location: 6p21.1.
Variant type: single nucleotide variant.
Coding change: c.657G>A on transcript NM_020745.4 (MANE Select); coding-DNA position 657, G replaced by A.
Protein change: p.Gly219=; no amino-acid change (glycine 219 retained).
Molecular consequence: synonymous variant.
Genome position (GRCh38, 1-based): chr6:44,311,086, C>T on the plus strand (G>A on the coding strand, the complement: AARS2 is on the minus strand). VCF-style: chr6-44311086-C-T. GRCh37 (hg19) VCF-style: chr6-44278823-C-T.
Identifiers: ClinVar variation 4821566 (VCV004821566.4).
Genomic context (GRCh38, chr6:44,311,086, plus strand): 5'-CTCTACCAGCTGGGGGGCTCCCACCCCACCAGCAAGGTCGTAGTGGATCTCAGTACAGGG[C>T]CCACAAGGGCCAGTATCCCCCATCTCCCAGAAGTTCTCTTGTGGTCCAAAGGAAAGCACA-3'
Protein context (NP_065796.2, residues 209-229): FWEMGDTGPC[Gly219=]PCTEIHYDLA